The following is an entry in ClinVar:

NM_206933.4(USH2A):c.14475T>A (p.His4825Gln)

Gene: USH2A (usherin; minus strand). Cytogenetic location: 1q41.
Variant type: single nucleotide variant.
Coding change: c.14475T>A on transcript NM_206933.4 (MANE Select); coding-DNA position 14475, T replaced by A.
Protein change: p.His4825Gln; replaces histidine 4825 with glutamine.
Molecular consequence: missense variant.
Genome position (GRCh38, 1-based): chr1:215,648,635, A>T on the plus strand (T>A on the coding strand, the complement: USH2A is on the minus strand). VCF-style: chr1-215648635-A-T. GRCh37 (hg19) VCF-style: chr1-215821977-A-T.
Other names: short protein forms H4825Q.
Identifiers: ClinVar variation 1704872 (VCV001704872.9), dbSNP rs2464815839, ClinGen allele CA344833585.

ClinVar aggregate classification (germline): Uncertain significance. Review status: criteria provided, multiple submitters, no conflicts (2 of 4 stars). 5 submissions from 4 submitters: Uncertain significance (5). Last evaluated 2023-11-04.

Conditions:
Retinitis pigmentosa 39 (RP39). Identifiers: Orphanet 791, MedGen C3151138, MONDO:0013436, OMIM 613809.
Usher syndrome type 2A. Also called: USHER SYNDROME, TYPE IIA; RETINAL DISEASE IN USHER SYNDROME TYPE IIA, MODIFIER OF. Identifiers: Orphanet 231178, Orphanet 886, MedGen C1848634, MONDO:0010169, OMIM 276901.

Submissions (5):

Genome-Nilou Lab
Classification: Uncertain significance for Retinitis pigmentosa 39. Last evaluated: 2023-11-04. Review status: criteria provided, single submitter. Criteria: ACMG Guidelines, 2015. Collection method: clinical testing. Allele origin: germline. Affected: no.

Genome-Nilou Lab
Classification: Uncertain significance for Usher syndrome type 2A. Last evaluated: 2023-11-04. Review status: criteria provided, single submitter. Criteria: ACMG Guidelines, 2015. Collection method: clinical testing. Allele origin: germline. Affected: no.

Women's Health and Genetics/Laboratory Corporation of America, LabCorp
Classification: Uncertain significance. Last evaluated: 2022-09-18. Review status: criteria provided, single submitter. Criteria: LabCorp Variant Classification Summary - May 2015. Collection method: clinical testing. Allele origin: germline.
Comment: Variant summary: USH2A c.14475T>A (p.His4825Gln) results in a non-conservative amino acid change located in the Fibronectin type III domain (IPR003961) of the encoded protein sequence. Four of five in-silico tools predict a benign effect of the variant on protein function. The variant was absent in 251394 control chromosomes (gnomAD). The available data on variant occurrences in the general population are insufficient to allow any conclusion about variant significance. To our knowledge, no occurrence of c.14475T>A in individuals affected with Usher Syndrome and no experimental evidence demonstrating its impact on protein function have been reported. No clinical diagnostic laboratories have submitted clinical-significance assessments for this variant to ClinVar after 2014. Based on the evidence outlined above, the variant was classified as uncertain significance.

Labcorp Genetics (formerly Invitae), Labcorp
Classification: Uncertain significance. Last evaluated: 2022-03-14. Review status: criteria provided, single submitter. Criteria: Invitae Variant Classification Sherloc (09022015). Collection method: clinical testing. Allele origin: germline.
Comment: In summary, the available evidence is currently insufficient to determine the role of this variant in disease. Therefore, it has been classified as a Variant of Uncertain Significance. Algorithms developed to predict the effect of missense changes on protein structure and function output the following: SIFT: "Tolerated"; PolyPhen-2: "Benign"; Align-GVGD: "Class C0". The glutamine amino acid residue is found in multiple mammalian species, which suggests that this missense change does not adversely affect protein function. This variant has not been reported in the literature in individuals affected with USH2A-related conditions. This variant is not present in population databases (gnomAD no frequency). This sequence change replaces histidine, which is basic and polar, with glutamine, which is neutral and polar, at codon 4825 of the USH2A protein (p.His4825Gln).

GeneDx
Classification: Uncertain significance. Last evaluated: 2022-03-08. Review status: criteria provided, single submitter. Criteria: GeneDx Variant Classification Process June 2021. Collection method: clinical testing. Allele origin: germline. Affected: yes.
Comment: Not observed at significant frequency in large population cohorts (gnomAD); In silico analysis supports that this missense variant does not alter protein structure/function; Has not been previously published as pathogenic or benign to our knowledge